The following is an entry in ClinVar:

NM_003482.4(KMT2D):c.4723A>C (p.Met1575Leu)

Gene: KMT2D (lysine methyltransferase 2D; minus strand). Cytogenetic location: 12q13.12.
Variant type: single nucleotide variant.
Coding change: c.4723A>C on transcript NM_003482.4 (MANE Select); coding-DNA position 4723, A replaced by C.
Protein change: p.Met1575Leu; replaces methionine 1575 with leucine.
Molecular consequence: missense variant.
Genome position (GRCh38, 1-based): chr12:49,045,938, T>G on the plus strand (A>C on the coding strand, the complement: KMT2D is on the minus strand). VCF-style: chr12-49045938-T-G. GRCh37 (hg19) VCF-style: chr12-49439721-T-G.
Other names: short protein forms M1575L.
Identifiers: ClinVar variation 719353 (VCV000719353.5), dbSNP rs762474552, ClinGen allele CA6547739.

ClinVar aggregate classification (germline): Conflicting classifications of pathogenicity. Review status: criteria provided, conflicting classifications (1 of 4 stars). 2 submissions from 2 submitters: Uncertain significance (1); Likely benign (1). Last evaluated 2025-09-07.

Conditions:
Kabuki syndrome. Also called: Kabuki make-up syndrome; NIIKAWA-KUROKI SYNDROME. Identifiers: Orphanet 2322, MedGen C0796004, MONDO:0016512.
KMT2D-related disorder. Also called: KMT2D-Related Disorders.

Allele frequency attached by ClinVar (database versions not stated): TOPMed 0.00002.

Submissions (2):

Labcorp Genetics (formerly Invitae), Labcorp
Classification: Likely benign for Kabuki syndrome. Last evaluated: 2025-09-07. Review status: criteria provided, single submitter. Criteria: Invitae Variant Classification Sherloc (09022015). Collection method: clinical testing. Allele origin: germline.

PreventionGenetics, part of Exact Sciences
Classification: Uncertain significance for KMT2D-related condition. Last evaluated: 2022-11-07. Review status: criteria provided, single submitter. Criteria: ACMG Guidelines, 2015. Collection method: clinical testing. Allele origin: germline.
Comment: The KMT2D c.4723A>C variant is predicted to result in the amino acid substitution p.Met1575Leu. To our knowledge, this variant has not been reported in the literature. This variant is reported in 0.00089% of alleles in individuals of European (Non-Finnish) descent in gnomAD. At this time, the clinical significance of this variant is uncertain due to the absence of conclusive functional and genetic evidence.